The following is an entry in ClinVar:

NM_005269.3(GLI1):c.3138G>A (p.Gln1046=)

Gene: GLI1 (GLI family zinc finger 1; plus strand). Cytogenetic location: 12q13.3.
Variant type: single nucleotide variant.
Coding change: c.3138G>A on transcript NM_005269.3 (MANE Select); coding-DNA position 3138, G replaced by A.
Protein change: p.Gln1046=; no amino-acid change (glutamine 1046 retained).
Molecular consequence: synonymous variant.
Genome position (GRCh38, 1-based): chr12:57,471,878, G>A. VCF-style: chr12-57471878-G-A. GRCh37 (hg19) VCF-style: chr12-57865661-G-A.
Other names: c.2754G>A, p.Gln918= (NM_001160045.2); c.3015G>A, p.Gln1005= (NM_001167609.2).
Identifiers: ClinVar variation 3058464 (VCV003058464.2), dbSNP rs1232793267, ClinGen allele CA480394063.

ClinVar aggregate classification (germline): Likely benign (0 of 4 stars; one submission).

Conditions:
GLI1-related disorder. Also called: GLI1-related condition.

Allele frequency attached by ClinVar (database versions not stated): gnomAD 0.00001; TOPMed 0.00001.

Submission:

PreventionGenetics, part of Exact Sciences
Classification: Likely benign for GLI1-related condition. Last evaluated: 2019-03-08. Review status: no assertion criteria provided. Collection method: clinical testing. Allele origin: germline.
Comment: This variant is classified as likely benign based on ACMG/AMP sequence variant interpretation guidelines (Richards et al. 2015 PMID: 25741868, with internal and published modifications).